The following is an entry in ClinVar:

ClinVar aggregate classification (germline): Uncertain significance (1 of 4 stars; one submission).

Conditions:
Retinoblastoma (RB1). Also called: RETINOBLASTOMA, SOMATIC. Identifiers: Orphanet 790, MedGen C0035335, MeSH D012175, MONDO:0008380, OMIM 180200, HP:0009919. Disease mechanism: loss of function. Inheritance: Both sporadic and heritable forms are tested..

Submission:

Labcorp Genetics (formerly Invitae), Labcorp
Classification: Uncertain significance for Retinoblastoma. Last evaluated: 2024-06-14. Review status: criteria provided, single submitter. Criteria: Invitae Variant Classification Sherloc (09022015). Collection method: clinical testing. Allele origin: germline.
Comment: This sequence change replaces glutamic acid, which is acidic and polar, with alanine, which is neutral and non-polar, at codon 587 of the RB1 protein (p.Glu587Ala). This variant is not present in population databases (gnomAD no frequency). This variant has not been reported in the literature in individuals affected with RB1-related conditions. Advanced modeling of protein sequence and biophysical properties (such as structural, functional, and spatial information, amino acid conservation, physicochemical variation, residue mobility, and thermodynamic stability) performed at Invitae indicates that this missense variant is not expected to disrupt RB1 protein function with a negative predictive value of 80%. In summary, the available evidence is currently insufficient to determine the role of this variant in disease. Therefore, it has been classified as a Variant of Uncertain Significance.

NM_000321.3(RB1):c.1760A>C (p.Glu587Ala)

Gene: RB1 (RB transcriptional corepressor 1; plus strand). Cytogenetic location: 13q14.2.
Variant type: single nucleotide variant.
Coding change: c.1760A>C on transcript NM_000321.3 (MANE Select); coding-DNA position 1760, A replaced by C.
Protein change: p.Glu587Ala; replaces glutamic acid 587 with alanine.
Molecular consequence: missense variant.
Genome position (GRCh38, 1-based): chr13:48,453,057, A>C. VCF-style: chr13-48453057-A-C. GRCh37 (hg19) VCF-style: chr13-49027193-A-C.
Other names: c.1760A>C, p.Glu587Ala (NM_001407165.1); short protein forms E587A.
Identifiers: ClinVar variation 3614676 (VCV003614676.2).